The following is an entry in ClinVar:

ClinVar aggregate classification (germline): Pathogenic (1 of 4 stars; one submission).

Conditions:
Osteogenesis imperfecta type I (OI1). Also called: Lobstein's Disease; Lobstein disease; Classic Non-deforming Osteogenesis Imperfecta with Blue Sclerae; OI, TYPE I; OSTEOGENESIS IMPERFECTA TARDA; OSTEOGENESIS IMPERFECTA WITH BLUE SCLERAE. Identifiers: Orphanet 216796, Orphanet 666, MedGen C0023931, MONDO:0008146, OMIM 166200. Disease mechanism: loss of function.

Submission:

Labcorp Genetics (formerly Invitae), Labcorp
Classification: Pathogenic for Osteogenesis imperfecta type I. Last evaluated: 2025-01-24. Review status: criteria provided, single submitter. Criteria: Invitae Variant Classification Sherloc (09022015). Collection method: clinical testing. Allele origin: germline.
Comment: This sequence change replaces glycine, which is neutral and non-polar, with serine, which is neutral and polar, at codon 527 of the COL1A1 protein (p.Gly527Ser). This variant is not present in population databases (gnomAD no frequency). This missense change has been observed in individual(s) with osteogenesis imperfecta (internal data). Invitae Evidence Modeling of protein sequence and biophysical properties (such as structural, functional, and spatial information, amino acid conservation, physicochemical variation, residue mobility, and thermodynamic stability) indicates that this missense variant is expected to disrupt COL1A1 protein function with a positive predictive value of 95%. This variant disrupts the triple helix domain of COL1A1. Glycine residues within the Gly-Xaa-Yaa repeats of the triple helix domain are required for the structure and stability of fibrillar collagens (PMID: 7695699, 8218237, 19344236). In COL1A1, variants affecting these glycine residues are significantly enriched in individuals with disease (PMID: 9016532, 17078022) compared to the general population (ExAC). This variant disrupts the p.Gly527 amino acid residue in COL1A1. Other variant(s) that disrupt this residue have been observed in individuals with COL1A1-related conditions (PMID: 9600458, 32123938), which suggests that this may be a clinically significant amino acid residue. For these reasons, this variant has been classified as Pathogenic.

Literature cited by the submitters: PubMed 7695699; PubMed 8218237; PubMed 19344236; PubMed 9016532; PubMed 17078022; PubMed 9600458; PubMed 32123938.

NM_000088.4(COL1A1):c.1579G>A (p.Gly527Ser)

Gene: COL1A1 (collagen type I alpha 1 chain; minus strand). Cytogenetic location: 17q21.33.
Variant type: single nucleotide variant.
Coding change: c.1579G>A on transcript NM_000088.4 (MANE Select); coding-DNA position 1579, G replaced by A.
Protein change: p.Gly527Ser; replaces glycine 527 with serine.
Molecular consequence: missense variant.
Genome position (GRCh38, 1-based): chr17:50,194,384, C>T on the plus strand (G>A on the coding strand, the complement: COL1A1 is on the minus strand). VCF-style: chr17-50194384-C-T. GRCh37 (hg19) VCF-style: chr17-48271745-C-T.
Other names: short protein forms G527S.
Identifiers: ClinVar variation 3634728 (VCV003634728.2).